The following is an entry in ClinVar:

NM_032790.4(ORAI1):c.123G>C (p.Gly41=)

Genes: ORAI1 (ORAI calcium release-activated calcium modulator 1; plus strand), LOC130008987 (ATAC-STARR-seq lymphoblastoid silent region 4981; plus strand). Cytogenetic location: 12q24.31.
Variant type: single nucleotide variant.
Coding change: c.123G>C on transcript NM_032790.4 (MANE Select); coding-DNA position 123, G replaced by C.
Protein change: p.Gly41=; no amino-acid change (glycine 41 retained).
Molecular consequence: synonymous variant. On other transcripts: non-coding transcript variant (1).
Genome position (GRCh38, 1-based): chr12:121,626,865, G>C. VCF-style: chr12-121626865-G-C. GRCh37 (hg19) VCF-style: chr12-122064770-G-C.
Identifiers: ClinVar variation 2643411 (VCV002643411.24), dbSNP rs782246766, ClinGen allele CA482433190.

ClinVar aggregate classification (germline): Likely benign (1 of 4 stars; one submission).

Submission:

CeGaT Center for Human Genetics Tuebingen
Classification: Likely benign. Last evaluated: 2022-11-01. Review status: criteria provided, single submitter. Criteria: CeGaT Center For Human Genetics Tuebingen Variant Classification Criteria Version 2. Collection method: clinical testing. Allele origin: germline. Affected: yes. Observed: 1 variant allele.
Comment: ORAI1: PM2:Supporting, BP4, BP7